The following is an entry in ClinVar:

ClinVar aggregate classification (germline): Uncertain significance (1 of 4 stars; one submission).

Conditions:
Epidermolysis bullosa simplex 3, localized or generalized intermediate, with BP230 deficiency (EBS3). Also called: Epidermolysis bullosa simplex due to BP230 deficiency; Epidermolysis bullosa simplex, autosomal recessive 2. Identifiers: Orphanet 412181, MedGen C3809470, MONDO:0014180, OMIM 615425.
Hereditary sensory and autonomic neuropathy type 6. Also called: HSAN VI; Neuropathy, hereditary sensory and autonomic, type VI. Identifiers: Orphanet 314381, MedGen C3539003, MONDO:0013839, OMIM 614653.

Submission:

Labcorp Genetics (formerly Invitae), Labcorp
Classification: Uncertain significance for Epidermolysis bullosa simplex 3, localized or generalized intermediate, with BP230 deficiency; Hereditary sensory and autonomic neuropathy type 6. Last evaluated: 2022-07-25. Review status: criteria provided, single submitter. Criteria: Invitae Variant Classification Sherloc (09022015). Collection method: clinical testing. Allele origin: germline.
Comment: This sequence change replaces aspartic acid, which is acidic and polar, with glutamic acid, which is acidic and polar, at codon 1068 of the DST protein (p.Asp1068Glu). This variant is not present in population databases (gnomAD no frequency). This variant has not been reported in the literature in individuals affected with DST-related conditions. ClinVar contains an entry for this variant (Variation ID: 663614). Algorithms developed to predict the effect of missense changes on protein structure and function (SIFT, PolyPhen-2, Align-GVGD) all suggest that this variant is likely to be disruptive. In summary, the available evidence is currently insufficient to determine the role of this variant in disease. Therefore, it has been classified as a Variant of Uncertain Significance.

NM_001374736.1(DST):c.4815T>A (p.Asp1605Glu)

Gene: DST (dystonin; minus strand). Cytogenetic location: 6p12.1.
Variant type: single nucleotide variant.
Coding change: c.4815T>A on transcript NM_001374736.1 (MANE Select); coding-DNA position 4815, T replaced by A.
Protein change: p.Asp1605Glu; replaces aspartic acid 1605 with glutamic acid.
Molecular consequence: missense variant.
Genome position (GRCh38, 1-based): chr6:56,625,172, A>T on the plus strand (T>A on the coding strand, the complement: DST is on the minus strand). VCF-style: chr6-56625172-A-T. GRCh37 (hg19) VCF-style: chr6-56489970-A-T.
Other names: c.4716T>A, p.Asp1572Glu (NM_001144769.5); c.4302T>A, p.Asp1434Glu (NM_001144770.2); c.4815T>A, p.Asp1605Glu (NM_001374722.1); c.4182T>A, p.Asp1394Glu (NM_001374729.1, NM_001374730.1, NM_001386100.1 and 1 more transcripts); c.4842T>A, p.Asp1614Glu (NM_001374734.1); c.3204T>A, p.Asp1068Glu (NM_001723.7, NM_015548.5); short protein forms D1434E, D1068E, D1572E, D1394E, D1605E, D1614E.
Identifiers: ClinVar variation 663614 (VCV000663614.9), dbSNP rs1586982359, ClinGen allele CA364572704.
Genomic context (GRCh38, chr6:56,625,172, plus strand): 5'-CTTTCTTTTATGCCCCTTCCCCTCTTTCTCTCATACTTTTATTACCTCTTGAATAATGAG[A>T]TCTGCTGAACTCTGCATTCTTCGGCGTTTCACTGGAGATTTTTGTTGTGAATCTACCATG-3'
Protein context (NP_001361665.1, residues 1595-1615): VKRRRMQSSA[Asp1605Glu]LIIQEFMDLR